The following is an entry in ClinVar:

ClinVar aggregate classification (germline): Conflicting classifications of pathogenicity. Review status: criteria provided, conflicting classifications (1 of 4 stars). 3 submissions from 3 submitters: Uncertain significance (1); Likely benign (2). Last evaluated 2025-07-23.

Conditions:
Dilated cardiomyopathy 1W (CMD1W). Identifiers: Orphanet 154, MedGen C1969639, MONDO:0012667, OMIM 611407.
Cardiovascular phenotype. Identifiers: MedGen CN230736.

Allele frequency attached by ClinVar (database versions not stated): gnomAD 0.00001; TOPMed 0.00002.
gnomAD v4.1: 1 of 1,613,906 alleles (0.000062%); highest among the groups gnomAD compares: African/African-American, 0.0013%; no homozygotes.

Submissions (3):

Ambry Genetics
Classification: Uncertain significance for Cardiovascular phenotype. Last evaluated: 2025-07-23. Review status: criteria provided, single submitter. Criteria: Ambry Variant Classification Scheme 2023. Collection method: clinical testing. Allele origin: germline.
Comment: The c.3259-5T>C intronic variant results from a T to C substitution 5 nucleotides upstream from coding exon 22 in the VCL gene. This nucleotide position is not well conserved in available vertebrate species. In silico splice site analysis predicts that this alteration will not have any significant effect on splicing. Based on the available evidence, the clinical significance of this variant remains unclear.

Labcorp Genetics (formerly Invitae), Labcorp
Classification: Likely benign for Dilated cardiomyopathy 1W. Last evaluated: 2021-09-05. Review status: criteria provided, single submitter. Criteria: Invitae Variant Classification Sherloc (09022015). Collection method: clinical testing. Allele origin: germline.

GeneDx
Classification: Likely benign. Last evaluated: 2016-08-08. Review status: criteria provided, single submitter. Criteria: GeneDx Variant Classification (06012015). Collection method: clinical testing. Allele origin: germline. Affected: yes.
Comment: This variant is considered likely benign or benign based on one or more of the following criteria: it is a conservative change, it occurs at a poorly conserved position in the protein, it is predicted to be benign by multiple in silico algorithms, and/or has population frequency not consistent with disease.

NM_014000.3(VCL):c.3259-5T>C

Gene: VCL (vinculin; plus strand). Cytogenetic location: 10q22.2.
Variant type: single nucleotide variant.
Coding change: c.3259-5T>C on transcript NM_014000.3 (MANE Select); 5 bases into the intron before coding-DNA position 3259, T replaced by C.
Molecular consequence: intron variant.
Genome position (GRCh38, 1-based): chr10:74,118,018, T>C. VCF-style: chr10-74118018-T-C. GRCh37 (hg19) VCF-style: chr10-75877776-T-C.
Other names: c.3055-5T>C (NM_003373.4).
Identifiers: ClinVar variation 388406 (VCV000388406.14), dbSNP rs1057523095, ClinGen allele CA16605931.